The following is an entry in ClinVar:

NM_000170.3(GLDC):c.880A>G (p.Thr294Ala)

Gene: GLDC (glycine decarboxylase; minus strand). Cytogenetic location: 9p24.1.
Variant type: single nucleotide variant.
Coding change: c.880A>G on transcript NM_000170.3 (MANE Select); coding-DNA position 880, A replaced by G.
Protein change: p.Thr294Ala; replaces threonine 294 with alanine.
Molecular consequence: missense variant.
Genome position (GRCh38, 1-based): chr9:6,604,766, T>C on the plus strand (A>G on the coding strand, the complement: GLDC is on the minus strand). VCF-style: chr9-6604766-T-C. GRCh37 (hg19) VCF-style: chr9-6604766-T-C.
Other names: c.880A>G (NM_000170.2); short protein forms T294A.
Identifiers: ClinVar variation 1004891 (VCV001004891.7), dbSNP rs1818695779, ClinGen allele CA372896028.

ClinVar aggregate classification (germline): Uncertain significance. Review status: criteria provided, single submitter (1 of 4 stars). 2 submissions from 2 submitters: Uncertain significance (1). 1 of the submissions does not count toward it. Last evaluated 2021-08-26.

Conditions:
Glycine encephalopathy. Also called: Non-ketotic hyperglycinemia; Nonketotic hyperglycinemia. Identifiers: Orphanet 407, MedGen C0751748, MONDO:0011612, HP:0008288.

Submissions (2):

Labcorp Genetics (formerly Invitae), Labcorp
Classification: Uncertain significance for Glycine encephalopathy. Last evaluated: 2021-08-26. Review status: criteria provided, single submitter. Criteria: Invitae Variant Classification Sherloc (09022015). Collection method: clinical testing. Allele origin: germline.
Comment: This sequence change replaces threonine with alanine at codon 294 of the GLDC protein (p.Thr294Ala). The threonine residue is moderately conserved and there is a small physicochemical difference between threonine and alanine. This variant is not present in population databases (ExAC no frequency). This variant has not been reported in the literature in individuals affected with GLDC-related conditions. Algorithms developed to predict the effect of missense changes on protein structure and function are either unavailable or do not agree on the potential impact of this missense change (SIFT: "Tolerated"; PolyPhen-2: "Probably Damaging"; Align-GVGD: "Class C0"). In summary, the available evidence is currently insufficient to determine the role of this variant in disease. Therefore, it has been classified as a Variant of Uncertain Significance.

Natera, Inc.
Classification: Uncertain significance for Non-ketotic hyperglycinemia. Last evaluated: 2025-03-23. Review status: no assertion criteria provided. Collection method: clinical testing. Allele origin: germline. Not counted in ClinVar's aggregate classification.